The following is an entry in ClinVar:

NM_000059.4(BRCA2):c.3116C>A (p.Pro1039His)

Gene: BRCA2 (BRCA2 DNA repair associated; plus strand). Cytogenetic location: 13q13.1.
Variant type: single nucleotide variant.
Coding change: c.3116C>A on transcript NM_000059.4 (MANE Select); coding-DNA position 3116, C replaced by A.
Protein change: p.Pro1039His; replaces proline 1039 with histidine.
Molecular consequence: missense variant.
Genome position (GRCh38, 1-based): chr13:32,337,471, C>A. VCF-style: chr13-32337471-C-A. GRCh37 (hg19) VCF-style: chr13-32911608-C-A.
Other names: short protein forms P1039H.
Identifiers: ClinVar variation 481164 (VCV000481164.8), dbSNP rs867544010, ClinGen allele CA387775463.

ClinVar aggregate classification (germline): Conflicting classifications of pathogenicity. Review status: criteria provided, conflicting classifications (1 of 4 stars). 3 submissions from 3 submitters: Uncertain significance (2); Likely benign (1). Last evaluated 2023-03-27.

Conditions:
Hereditary cancer-predisposing syndrome. Also called: Hereditary Cancer Syndrome; Neoplastic Syndromes, Hereditary; Tumor predisposition; Hereditary neoplastic syndrome. Identifiers: Orphanet 140162, MedGen C0027672, MeSH D009386, MONDO:0015356.

Submissions (3):

Quest Diagnostics Nichols Institute San Juan Capistrano
Classification: Uncertain significance. Last evaluated: 2023-03-27. Review status: criteria provided, single submitter. Criteria: Quest Diagnostics criteria. Collection method: clinical testing. Allele origin: unknown.
Comment: It has not been reported in large, multi-ethnic general populations. In the published literature, this variant was classified using Bayesian approaches (PMID: 31911673 (2020)). Analysis of this variant using bioinformatics tools for the prediction of the effect of amino acid changes on protein structure and function yielded conflicting predictions that this variant is benign or damaging. Based on the available information, we are unable to determine the clinical significance of this variant.

University of Washington Department of Laboratory Medicine, University of Washington
Classification: Likely benign for Hereditary cancer-predisposing syndrome. Last evaluated: 2023-03-23. Review status: criteria provided, single submitter. Criteria: Dines et al. (Genet Med. 2020). Collection method: curation. Allele origin: germline.
Comment: Missense variant in a coldspot region where missense variants are very unlikely to be pathogenic (PMID:31911673).

BRCA2 exon 11 coldspot. Reclassification based on statistical prior probability.

Ambry Genetics
Classification: Uncertain significance for Hereditary cancer-predisposing syndrome. Last evaluated: 2017-06-23. Review status: criteria provided, single submitter. Criteria: Ambry Variant Classification Scheme 2023. Collection method: clinical testing. Allele origin: germline.
Comment: The p.P1039H variant (also known as c.3116C>A), located in coding exon 10 of the BRCA2 gene, results from a C to A substitution at nucleotide position 3116. The proline at codon 1039 is replaced by histidine, an amino acid with similar properties. This amino acid position is not well conserved in available vertebrate species. In addition, this alteration is predicted to be tolerated by in silico analysis. Since supporting evidence is limited at this time, the clinical significance of this alteration remains unclear.

Literature cited by the submitters: PubMed 31911673 (cited by Quest Diagnostics Nichols Institute San Juan Capistrano).